The following is an entry in ClinVar:

NM_000133.4(F9):c.984C>G (p.Asn328Lys)

Gene: F9 (coagulation factor IX; plus strand). Cytogenetic location: Xq27.1.
Variant type: single nucleotide variant.
Coding change: c.984C>G on transcript NM_000133.4 (MANE Select); coding-DNA position 984, C replaced by G.
Protein change: p.Asn328Lys; replaces asparagine 328 with lysine.
Molecular consequence: missense variant.
Genome position (GRCh38, 1-based): chrX:139,561,669, C>G. VCF-style: chrX-139561669-C-G. GRCh37 (hg19) VCF-style: chrX-138643828-C-G.
Other names: c.870C>G, p.Asn290Lys (NM_001313913.2); short protein forms N290K, N328K.
Identifiers: ClinVar variation 2925697 (VCV002925697.3), dbSNP rs2520844417, ClinGen allele CA414445197.

ClinVar aggregate classification (germline): Uncertain significance (1 of 4 stars; one submission).

Conditions:
Thrombophilia, X-linked, due to factor 9 defect. Identifiers: MedGen C2749016, MONDO:0010432, OMIM 300807.
Hereditary factor IX deficiency disease (HEMB). Also called: F9 DEFICIENCY; FACTOR IX DEFICIENCY; PLASMA THROMBOPLASTIN COMPONENT DEFICIENCY; Hemophilia B; Christmas Disease. Identifiers: Orphanet 98879, MedGen C0008533, MeSH D002836, MONDO:0010604, OMIM 306900.

Submission:

Labcorp Genetics (formerly Invitae), Labcorp
Classification: Uncertain significance for Thrombophilia, X-linked, due to factor 9 defect; Hereditary factor IX deficiency disease. Last evaluated: 2022-12-20. Review status: criteria provided, single submitter. Criteria: Invitae Variant Classification Sherloc (09022015). Collection method: clinical testing. Allele origin: germline.
Comment: In summary, the available evidence is currently insufficient to determine the role of this variant in disease. Therefore, it has been classified as a Variant of Uncertain Significance. This variant disrupts the p.Asn328 amino acid residue in F9. Other variant(s) that disrupt this residue have been observed in individuals with F9-related conditions (PMID: 16643212, 25251685), which suggests that this may be a clinically significant amino acid residue. Advanced modeling of protein sequence and biophysical properties (such as structural, functional, and spatial information, amino acid conservation, physicochemical variation, residue mobility, and thermodynamic stability) performed at Invitae indicates that this missense variant is not expected to disrupt F9 protein function. This missense change has been observed in individuals with hemophilia B (PMID: 25251685; Invitae). This variant is not present in population databases (gnomAD no frequency). This sequence change replaces asparagine, which is neutral and polar, with lysine, which is basic and polar, at codon 328 of the F9 protein (p.Asn328Lys).

Literature cited by the submitters: PubMed 16643212; PubMed 25251685.